The following is an entry in ClinVar:

NM_000302.4(PLOD1):c.2092C>T (p.Leu698Phe)

Gene: PLOD1 (procollagen-lysine,2-oxoglutarate 5-dioxygenase 1; plus strand). Cytogenetic location: 1p36.22.
Variant type: single nucleotide variant.
Coding change: c.2092C>T on transcript NM_000302.4 (MANE Select); coding-DNA position 2092, C replaced by T.
Protein change: p.Leu698Phe; replaces leucine 698 with phenylalanine.
Molecular consequence: missense variant.
Genome position (GRCh38, 1-based): chr1:11,974,716, C>T. VCF-style: chr1-11974716-C-T. GRCh37 (hg19) VCF-style: chr1-12034773-C-T.
Other names: c.2233C>T, p.Leu745Phe (NM_001316320.2); short protein forms L698F, L745F.
Identifiers: ClinVar variation 3420925 (VCV003420925.1).

ClinVar aggregate classification (germline): Uncertain significance (1 of 4 stars; one submission).

Conditions:
Familial thoracic aortic aneurysm and aortic dissection (TAAD). Also called: Thoracic aortic aneurysms and dissections. Identifiers: Orphanet 91387, MedGen C4707243, MONDO:0019625.

gnomAD v4.1: 2 of 1,613,958 alleles (0.00012%); highest among the groups gnomAD compares: Non-Finnish European, 0.00017%; no homozygotes.

Submission:

Ambry Genetics
Classification: Uncertain significance for Familial thoracic aortic aneurysm and aortic dissection. Last evaluated: 2024-08-12. Review status: criteria provided, single submitter. Criteria: Ambry Variant Classification Scheme 2023. Collection method: clinical testing. Allele origin: germline.
Comment: The p.L698F variant (also known as c.2092C>T), located in coding exon 19 of the PLOD1 gene, results from a C to T substitution at nucleotide position 2092. The leucine at codon 698 is replaced by phenylalanine, an amino acid with highly similar properties. This amino acid position is well conserved in available vertebrate species. In addition, the in silico prediction for this alteration is inconclusive. Based on the available evidence, the clinical significance of this variant remains unclear.